The following is an entry in ClinVar:

ClinVar aggregate classification (germline): Likely benign. Review status: criteria provided, multiple submitters, no conflicts (2 of 4 stars). 3 submissions from 3 submitters: Likely benign (3). Last evaluated 2026-01-04.

Conditions:
PEX5-related disorder. Also called: PEX5-related condition; PEX5-Related Disorders.
Peroxisome biogenesis disorder 2B (PBD2B). Identifiers: Orphanet 44, MedGen C3550234, MONDO:0008736, OMIM 202370.

Allele frequency attached by ClinVar (database versions not stated): gnomAD 0.00001; gnomAD exomes 0.00002 and 0.00006; TOPMed 0.00002; ExAC 0.00005.
gnomAD v4.1: 32 of 1,604,018 alleles (0.002%); highest among the groups gnomAD compares: Admixed American, 0.025%; no homozygotes.

Submissions (3):

Labcorp Genetics (formerly Invitae), Labcorp
Classification: Likely benign for Peroxisome biogenesis disorder 2B. Last evaluated: 2026-01-04. Review status: criteria provided, single submitter. Criteria: Invitae Variant Classification Sherloc (09022015). Collection method: clinical testing. Allele origin: germline.

PreventionGenetics, part of Exact Sciences
Classification: Likely benign for PEX5-related condition. Last evaluated: 2024-12-20. Review status: criteria provided, single submitter. Criteria: ACMG Guidelines, 2015. Collection method: clinical testing. Allele origin: germline.
Comment: This variant is classified as likely benign based on ACMG/AMP sequence variant interpretation guidelines (Richards et al. 2015 PMID: 25741868, with internal and published modifications).

Blueprint Genetics
Classification: Likely benign. Last evaluated: 2023-07-13. Review status: criteria provided, single submitter. Criteria: ACMG Guidelines, 2015. Collection method: clinical testing. Allele origin: germline.

NM_001351132.2(PEX5):c.552-8C>T

Gene: PEX5 (peroxisomal biogenesis factor 5; plus strand). Cytogenetic location: 12p13.31.
Variant type: single nucleotide variant.
Coding change: c.552-8C>T on transcript NM_001351132.2 (MANE Select); 8 bases into the intron before coding-DNA position 552, C replaced by T.
Molecular consequence: intron variant.
Genome position (GRCh38, 1-based): chr12:7,201,743, C>T. VCF-style: chr12-7201743-C-T. GRCh37 (hg19) VCF-style: chr12-7354339-C-T.
Other names: c.552-8C>T (NM_001131025.1, NM_001351128.2, NM_001351136.2 and 20 more transcripts); c.597-8C>T (NM_001131023.2, NM_001351138.2, NM_001351135.3).
Identifiers: ClinVar variation 1144330 (VCV001144330.11), dbSNP rs766250063, ClinGen allele CA6426193.